The following is an entry in ClinVar:

NM_022458.4(LMBR1):c.1109G>A (p.Arg370Gln)

Gene: LMBR1 (limb development membrane protein 1; minus strand). Cytogenetic location: 7q36.3.
Variant type: single nucleotide variant.
Coding change: c.1109G>A on transcript NM_022458.4 (MANE Select); coding-DNA position 1109, G replaced by A.
Protein change: p.Arg370Gln; replaces arginine 370 with glutamine.
Molecular consequence: missense variant. On other transcripts: non-coding transcript variant (2).
Genome position (GRCh38, 1-based): chr7:156,725,484, C>T on the plus strand (G>A on the coding strand, the complement: LMBR1 is on the minus strand). VCF-style: chr7-156725484-C-T. GRCh37 (hg19) VCF-style: chr7-156518178-C-T.
Other names: c.1232G>A, p.Arg411Gln (NM_001350953.2, NM_001363409.2); c.830G>A, p.Arg277Gln (NM_001350954.2); c.653G>A, p.Arg218Gln (NM_001350955.2, NM_001350956.2, NM_001350958.2 and 1 more transcripts); c.740G>A, p.Arg247Gln (NM_001350957.2, NM_001363411.2); c.1109G>A, p.Arg370Gln (NM_001363410.2); c.1046G>A, p.Arg349Gln (NM_001363412.2); short protein forms R247Q, R349Q, R411Q, R277Q, R218Q, R370Q.
Identifiers: ClinVar variation 4693295 (VCV004693295.1).
Genomic context (GRCh38, chr7:156,725,484, plus strand): 5'-TTCTACCTTACCTTTGTCATAGTTGTGTCATCTTTCTTGGGAGTAAAGTTTCCAAAAAAT[C>T]GAAGGCTATAGAAGCCGACAACAGAGGACACCATAAGATAGCTGTGAGAATCAAGGAAAA-3'
Protein context (NP_071903.2, residues 360-380): VSSVVGFYSL[Arg370Gln]FFGNFTPKKD

ClinVar aggregate classification (germline): Uncertain significance (1 of 4 stars; one submission).

gnomAD v4.1: 7 of 1,610,584 alleles (0.00043%); highest among the groups gnomAD compares: Middle Eastern, 0.017%; no homozygotes.

Submission:

Labcorp Genetics (formerly Invitae), Labcorp
Classification: Uncertain significance. Last evaluated: 2025-11-03. Review status: criteria provided, single submitter. Criteria: Invitae Variant Classification Sherloc (09022015). Collection method: clinical testing. Allele origin: germline.
Comment: This sequence change replaces arginine, which is basic and polar, with glutamine, which is neutral and polar, at codon 370 of the LMBR1 protein (p.Arg370Gln). The frequency data for this variant in the population databases is considered unreliable, as metrics indicate poor data quality at this position in the gnomAD database. This variant has not been reported in the literature in individuals affected with LMBR1-related conditions. Invitae Evidence Modeling of protein sequence and biophysical properties (such as structural, functional, and spatial information, amino acid conservation, physicochemical variation, residue mobility, and thermodynamic stability) indicates that this missense variant is not expected to disrupt LMBR1 protein function with a negative predictive value of 80%. Algorithms developed to predict the effect of sequence changes on RNA splicing suggest that this variant may disrupt the consensus splice site. In summary, the available evidence is currently insufficient to determine the role of this variant in disease. Therefore, it has been classified as a Variant of Uncertain Significance.